The following is an entry in ClinVar:

ClinVar aggregate classification (germline): Uncertain significance (1 of 4 stars; one submission).

Submission:

GeneDx
Classification: Uncertain significance. Last evaluated: 2023-04-20. Review status: criteria provided, single submitter. Criteria: GeneDx Variant Classification Process June 2021. Collection method: clinical testing. Allele origin: germline. Affected: yes.
Comment: Not observed at significant frequency in large population cohorts (gnomAD); In silico analysis supports that this missense variant does not alter protein structure/function; Has not been previously published as pathogenic or benign to our knowledge

NM_006015.6(ARID1A):c.213G>T (p.Lys71Asn)

Gene: ARID1A (AT-rich interaction domain 1A; plus strand). Cytogenetic location: 1p36.11.
Variant type: single nucleotide variant.
Coding change: c.213G>T on transcript NM_006015.6 (MANE Select); coding-DNA position 213, G replaced by T.
Protein change: p.Lys71Asn; replaces lysine 71 with asparagine.
Molecular consequence: missense variant.
Genome position (GRCh38, 1-based): chr1:26,696,616, G>T. VCF-style: chr1-26696616-G-T. GRCh37 (hg19) VCF-style: chr1-27023107-G-T.
Other names: c.213G>T, p.Lys71Asn (NM_139135.4); short protein forms K71N.
Identifiers: ClinVar variation 2662184 (VCV002662184.1), dbSNP rs1341528830, ClinGen allele CA339264638.
Genomic context (GRCh38, chr1:26,696,616, plus strand): 5'-GGCAGCCGCCGGGCAGGAAAGCGAGGGCCCCGCCGTGGGGCCGCCGCAGCCGCTGGGAAA[G>T]GAGCTGCAGGACGGGGCCGAGAGCAATGGGGGTGGCGGCGGCGGCGGAGCCGGCAGCGGC-3'
Protein context (NP_006006.3, residues 61-81): PAVGPPQPLG[Lys71Asn]ELQDGAESNG